The following is an entry in ClinVar:

NM_014727.3(KMT2B):c.4477A>G (p.Met1493Val)

Gene: KMT2B (lysine methyltransferase 2B; plus strand). Cytogenetic location: 19q13.12.
Variant type: single nucleotide variant.
Coding change: c.4477A>G on transcript NM_014727.3 (MANE Select); coding-DNA position 4477, A replaced by G.
Protein change: p.Met1493Val; replaces methionine 1493 with valine.
Molecular consequence: missense variant.
Genome position (GRCh38, 1-based): chr19:35,727,965, A>G. VCF-style: chr19-35727965-A-G. GRCh37 (hg19) VCF-style: chr19-36218866-A-G.
Other names: short protein forms M1493V.
Identifiers: ClinVar variation 3654910 (VCV003654910.2).

ClinVar aggregate classification (germline): Uncertain significance (1 of 4 stars; one submission).

Submission:

Labcorp Genetics (formerly Invitae), Labcorp
Classification: Uncertain significance. Last evaluated: 2024-08-15. Review status: criteria provided, single submitter. Criteria: Invitae Variant Classification Sherloc (09022015). Collection method: clinical testing. Allele origin: germline.
Comment: This sequence change replaces methionine, which is neutral and non-polar, with valine, which is neutral and non-polar, at codon 1493 of the KMT2B protein (p.Met1493Val). This variant is not present in population databases (gnomAD no frequency). This variant has not been reported in the literature in individuals affected with KMT2B-related conditions. Invitae Evidence Modeling of protein sequence and biophysical properties (such as structural, functional, and spatial information, amino acid conservation, physicochemical variation, residue mobility, and thermodynamic stability) indicates that this missense variant is not expected to disrupt KMT2B protein function with a negative predictive value of 95%. In summary, the available evidence is currently insufficient to determine the role of this variant in disease. Therefore, it has been classified as a Variant of Uncertain Significance.